The following is an entry in ClinVar:

NM_004211.5(SLC6A5):c.269C>T (p.Ala90Val)

Gene: SLC6A5 (solute carrier family 6 member 5; plus strand). Cytogenetic location: 11p15.1.
Variant type: single nucleotide variant.
Coding change: c.269C>T on transcript NM_004211.5 (MANE Select); coding-DNA position 269, C replaced by T.
Protein change: p.Ala90Val; replaces alanine 90 with valine.
Molecular consequence: missense variant. On other transcripts: 5 prime UTR variant (1).
Genome position (GRCh38, 1-based): chr11:20,601,394, C>T. VCF-style: chr11-20601394-C-T. GRCh37 (hg19) VCF-style: chr11-20622940-C-T.
Other names: c.-295C>T (NM_001318369.2); c.269C>T (NM_004211.3); short protein forms A90V.
Identifiers: ClinVar variation 1508727 (VCV001508727.5), dbSNP rs752225272, ClinGen allele CA5921028.
Genomic context (GRCh38, chr11:20,601,394, plus strand): 5'-GCGAGGCTGAGCGGCCAGGAGTGGGGTCTTGCAAACTCAGTAGCCCGCGGGCGCAGGCGG[C>T]CTCTGCAGCTCTGCGGGACTTGAGAGAGGCGCAAGGCGCGCAGGCCTCGCCCCCTCCCGG-3'
Protein context (NP_004202.4, residues 80-100): CKLSSPRAQA[Ala90Val]SAALRDLREA

ClinVar aggregate classification (germline): Uncertain significance. Review status: criteria provided, multiple submitters, no conflicts (2 of 4 stars). 3 submissions from 3 submitters: Uncertain significance (3). Last evaluated 2025-05-07.

Conditions:
Inborn genetic diseases. Identifiers: MedGen C0950123, MeSH D030342.
Hyperekplexia 3 (HKPX3). Also called: HYPEREKPLEXIA 3, AUTOSOMAL RECESSIVE; HYPEREKPLEXIA 3, AUTOSOMAL DOMINANT. Identifiers: Orphanet 3197, MedGen C3553288, MONDO:0013827, OMIM 614618.

Allele frequency attached by ClinVar (database versions not stated): ExAC 0.00001; gnomAD 0.00001; gnomAD exomes 0.00001; TOPMed 0.00001.
gnomAD v4.1: 21 of 1,604,098 alleles (0.0013%); highest among the groups gnomAD compares: Middle Eastern, 0.28%; 1 homozygote.

Submissions (3):

Ambry Genetics
Classification: Uncertain significance for Inborn genetic diseases. Last evaluated: 2025-05-07. Review status: criteria provided, single submitter. Criteria: Ambry Variant Classification Scheme 2023. Collection method: clinical testing. Allele origin: germline.

Labcorp Genetics (formerly Invitae), Labcorp
Classification: Uncertain significance for Hyperekplexia 3. Last evaluated: 2021-09-26. Review status: criteria provided, single submitter. Criteria: Invitae Variant Classification Sherloc (09022015). Collection method: clinical testing. Allele origin: germline.
Comment: This sequence change replaces alanine with valine at codon 90 of the SLC6A5 protein (p.Ala90Val). The alanine residue is weakly conserved and there is a small physicochemical difference between alanine and valine. This variant is present in population databases (rs752225272, ExAC 0.003%). This variant has not been reported in the literature in individuals affected with SLC6A5-related conditions. Advanced modeling of protein sequence and biophysical properties (such as structural, functional, and spatial information, amino acid conservation, physicochemical variation, residue mobility, and thermodynamic stability) performed at Invitae indicates that this missense variant is not expected to disrupt SLC6A5 protein function. In summary, the available evidence is currently insufficient to determine the role of this variant in disease. Therefore, it has been classified as a Variant of Uncertain Significance.

Breakthrough Genomics
Classification: Uncertain significance. Review status: criteria provided, single submitter. Criteria: ACMG Guidelines, 2015. Collection method: not provided. Allele origin: germline. Inheritance: Autosomal recessive inheritance. Affected: yes.